The following is an entry in ClinVar:

NM_003611.3(OFD1):c.1640A>G (p.Lys547Arg)

Gene: OFD1 (OFD1 centriole and centriolar satellite protein; plus strand). Cytogenetic location: Xp22.2.
Variant type: single nucleotide variant.
Coding change: c.1640A>G on transcript NM_003611.3 (MANE Select); coding-DNA position 1640, A replaced by G.
Protein change: p.Lys547Arg; replaces lysine 547 with arginine.
Molecular consequence: missense variant.
Genome position (GRCh38, 1-based): chrX:13,758,434, A>G. VCF-style: chrX-13758434-A-G. GRCh37 (hg19) VCF-style: chrX-13776553-A-G.
Other names: c.1520A>G, p.Lys507Arg (NM_001330209.2); c.1220A>G, p.Lys407Arg (NM_001330210.2); short protein forms K507R, K547R, K407R.
Identifiers: ClinVar variation 1029728 (VCV001029728.1), dbSNP rs2047796952, ClinGen allele CA412343482.

ClinVar aggregate classification (germline): Likely pathogenic (1 of 4 stars; one submission).

Conditions:
Orofaciodigital syndrome I (OFD1). Also called: Oral-Facial-Digital Syndrome Type I; OFDS I; Papillon-Leage and Psaume Syndrome. Identifiers: Orphanet 2750, MedGen C1510460, MONDO:0010702, OMIM 311200.

Submission:

Baylor Genetics
Classification: Likely pathogenic for Orofaciodigital syndrome I. Last evaluated: 2020-04-23. Review status: criteria provided, single submitter. Criteria: ACMG Guidelines, 2015. Collection method: clinical testing. Allele origin: unknown. Affected: yes.
Comment: This variant was determined to be likely pathogenic according to ACMG Guidelines, 2015 [PMID:25741868].